The following is an entry in ClinVar:

ClinVar aggregate classification (germline): Uncertain significance. Review status: criteria provided, multiple submitters, no conflicts (2 of 4 stars). 3 submissions from 3 submitters: Uncertain significance (3). Last evaluated 2025-02-05.

Conditions:
Wilms tumor 1 (WT1). Also called: Wilms tumor, somatic. Identifiers: Orphanet 654, MedGen CN033288, MONDO:0008679, OMIM 194070.
Meacham syndrome. Also called: Meacham Winn Culler syndrome. Identifiers: Orphanet 3097, MedGen C1837026, MONDO:0012164, OMIM 608978.
Mesothelioma, malignant (MESOM). Also called: Malignant mesothelioma (disease). Identifiers: Orphanet 50251, MedGen C0345967, MONDO:0006292, OMIM 156240, HP:0100001.
Frasier syndrome. Identifiers: Orphanet 347, MedGen C0950122, MeSH D052159, MONDO:0007635, OMIM 136680.
Nephrotic syndrome, type 4 (NPHS4). Also called: Familial mesangial sclerosis; Nephrotic syndrome, early onset with diffuse mesangial sclerosis. Identifiers: Orphanet 656, MedGen C3151568, MONDO:0009733, OMIM 256370.
Drash syndrome (DDS). Also called: NEPHROPATHY, WILMS TUMOR, AND GENITAL ANOMALIES; WILMS TUMOR AND PSEUDO- OR TRUE HERMAPHRODITISM. Identifiers: Orphanet 220, MedGen C0950121, MONDO:0008682, OMIM 194080.
Inborn genetic diseases. Identifiers: MedGen C0950123, MeSH D030342.
11p partial monosomy syndrome (WAGR). Also called: CHROMOSOME 11p13 DELETION SYNDROME; WAGR Spectrum Disorder; WAGR syndrome; WAGR Complex. Identifiers: Orphanet 893, MedGen C0206115, MONDO:0008681, OMIM 194072.

Allele frequency attached by ClinVar (database versions not stated): TOPMed below 0.00001; gnomAD 0.00001.
gnomAD v4.1: 2 of 1,526,954 alleles (0.00013%); highest among the groups gnomAD compares: Non-Finnish European, 0.00018%; no homozygotes.

Submissions (3):

Ambry Genetics
Classification: Uncertain significance for Inborn genetic diseases. Last evaluated: 2025-02-05. Review status: criteria provided, single submitter. Criteria: Ambry Variant Classification Scheme 2023. Collection method: clinical testing. Allele origin: germline.
Comment: The p.L53V variant (also known as c.157C>G), located in coding exon 1 of the WT1 gene, results from a C to G substitution at nucleotide position 157. The leucine at codon 53 is replaced by valine, an amino acid with highly similar properties. This amino acid position is conserved. In addition, this alteration is predicted to be tolerated by in silico analysis. Based on the available evidence, the clinical significance of this variant remains unclear.

Fulgent Genetics
Classification: Uncertain significance for Frasier syndrome; Mesothelioma, malignant; Wilms tumor 1; Drash syndrome; Nephrotic syndrome, type 4; Meacham syndrome. Last evaluated: 2024-02-12. Review status: criteria provided, single submitter. Criteria: ACMG Guidelines, 2015. Collection method: clinical testing. Allele origin: germline.

Labcorp Genetics (formerly Invitae), Labcorp
Classification: Uncertain significance for Wilms tumor 1; Drash syndrome; 11p partial monosomy syndrome; Frasier syndrome. Last evaluated: 2023-06-28. Review status: criteria provided, single submitter. Criteria: Invitae Variant Classification Sherloc (09022015). Collection method: clinical testing. Allele origin: germline.
Comment: This variant has not been reported in the literature in individuals affected with WT1-related conditions. This sequence change replaces leucine, which is neutral and non-polar, with valine, which is neutral and non-polar, at codon 53 of the WT1 protein (p.Leu53Val). This variant is not present in population databases (gnomAD no frequency). ClinVar contains an entry for this variant (Variation ID: 543115). An algorithm developed to predict the effect of missense changes on protein structure and function (PolyPhen-2) suggests that this variant is likely to be tolerated. In summary, the available evidence is currently insufficient to determine the role of this variant in disease. Therefore, it has been classified as a Variant of Uncertain Significance.

NM_024426.6(WT1):c.172C>G (p.Leu58Val)

Genes: WT1 (WT1 transcription factor; minus strand), LOC107982234 (WT1/WT1-AS bi-directional promoter region; plus strand). Cytogenetic location: 11p13.
Variant type: single nucleotide variant.
Coding change: c.172C>G on transcript NM_024426.6 (MANE Select); coding-DNA position 172, C replaced by G.
Protein change: p.Leu58Val; replaces leucine 58 with valine.
Molecular consequence: missense variant. On other transcripts: non-coding transcript variant (1).
Genome position (GRCh38, 1-based): chr11:32,435,189, G>C on the plus strand (C>G on the coding strand, the complement: WT1 is on the minus strand). VCF-style: chr11-32435189-G-C. GRCh37 (hg19) VCF-style: chr11-32456735-G-C.
Other names: c.172C>G, p.Leu58Val (NM_000378.6, NM_024424.5); short protein forms L58V.
Identifiers: ClinVar variation 543115 (VCV000543115.13), dbSNP rs1412425868, ClinGen allele CA379966233.